The following is an entry in ClinVar:

NM_001199799.2(ILDR1):c.1445A>G (p.Glu482Gly)

Gene: ILDR1 (immunoglobulin like domain containing receptor 1; minus strand). Cytogenetic location: 3q13.33.
Variant type: single nucleotide variant.
Coding change: c.1445A>G on transcript NM_001199799.2 (MANE Select); coding-DNA position 1445, A replaced by G.
Protein change: p.Glu482Gly; replaces glutamic acid 482 with glycine.
Molecular consequence: missense variant.
Genome position (GRCh38, 1-based): chr3:121,993,304, T>C on the plus strand (A>G on the coding strand, the complement: ILDR1 is on the minus strand). VCF-style: chr3-121993304-T-C. GRCh37 (hg19) VCF-style: chr3-121712151-T-C.
Other names: c.1178A>G, p.Glu393Gly (NM_001199800.2); c.1313A>G, p.Glu438Gly (NM_175924.4); short protein forms E393G, E438G, E482G.
Identifiers: ClinVar variation 3343174 (VCV003343174.1).
Genomic context (GRCh38, chr3:121,993,304, plus strand): 5'-GGGGAGTGCGAGCCGCGGCGGTGGGCCCGCCAGCTCTGGGGCTGCCTCTCCTTGTCCTCT[T>C]CAGAGCTCCAGGAACTGAGGCCGGAGGGCAAGGGAGGAGAGTAGCTGCGGTGCCTGCGTC-3'
Protein context (NP_001186728.1, residues 472-492): LPSGLSSWSS[Glu482Gly]EDKERQPQSW

ClinVar aggregate classification (germline): Uncertain significance (1 of 4 stars; one submission).

Submission:

GeneDx
Classification: Uncertain significance. Last evaluated: 2023-05-03. Review status: criteria provided, single submitter. Criteria: GeneDx Variant Classification Process June 2021. Collection method: clinical testing. Allele origin: germline. Affected: yes.
Comment: Not observed at significant frequency in large population cohorts (gnomAD); In silico analysis supports that this missense variant does not alter protein structure/function; Has not been previously published as pathogenic or benign to our knowledge